The following is an entry in ClinVar:

NM_000283.4(PDE6B):c.1414C>T (p.Arg472Cys)

Gene: PDE6B (phosphodiesterase 6B; plus strand). Cytogenetic location: 4p16.3.
Variant type: single nucleotide variant.
Coding change: c.1414C>T on transcript NM_000283.4 (MANE Select); coding-DNA position 1414, C replaced by T.
Protein change: p.Arg472Cys; replaces arginine 472 with cysteine.
Molecular consequence: missense variant.
Genome position (GRCh38, 1-based): chr4:658,964, C>T. VCF-style: chr4-658964-C-T. GRCh37 (hg19) VCF-style: chr4-652753-C-T.
Other names: c.1414C>T, p.Arg472Cys (NM_001145291.2); c.577C>T, p.Arg193Cys (NM_001145292.2, NM_001350154.3, NM_001379246.1 and 1 more transcripts); c.259C>T, p.Arg87Cys (NM_001350155.3); short protein forms R472C, R193C, R87C.
Identifiers: ClinVar variation 721487 (VCV000721487.18), dbSNP rs143908642, ClinGen allele CA2794512.

ClinVar aggregate classification (germline): Conflicting classifications of pathogenicity. Review status: criteria provided, conflicting classifications (1 of 4 stars). 6 submissions from 5 submitters: Uncertain significance (2); Benign (1); Likely benign (2). 1 of the submissions does not count toward it. Last evaluated 2026-01-19.

Conditions:
Inborn genetic diseases. Identifiers: MedGen C0950123, MeSH D030342.
Congenital stationary night blindness autosomal dominant 2. Also called: NIGHT BLINDNESS, CONGENITAL STATIONARY, RAMBUSCH TYPE. Identifiers: Orphanet 215, MedGen C1876182, MONDO:0008099, OMIM 163500.
PDE6B-related disorder. Also called: PDE6B-related disorders; PDE6B-related disease; PDE6B-related condition.
Retinitis pigmentosa (RP). Identifiers: Orphanet 791, MedGen C0035334, MeSH D012174, MONDO:0019200, OMIM 268000. Inheritance: Autosomal dominant, autosomal recessive and X linked inheritance.

Allele frequency attached by ClinVar (database versions not stated): ESP Exome Variant Server 0.00015; gnomAD 0.00016 and 0.00036; TOPMed 0.00022; gnomAD exomes 0.00044 and 0.00093; ExAC 0.00099; 1000 Genomes Project 30x 0.00172; 1000 Genomes Project 0.00180.
gnomAD v4.1: 704 of 1,613,108 alleles (0.044%); highest among the groups gnomAD compares: South Asian, 0.66%; 4 homozygotes.

Submissions (6):

Labcorp Genetics (formerly Invitae), Labcorp
Classification: Likely benign. Last evaluated: 2026-01-19. Review status: criteria provided, single submitter. Criteria: Invitae Variant Classification Sherloc (09022015). Collection method: clinical testing. Allele origin: germline.

Ambry Genetics
Classification: Uncertain significance for Inborn genetic diseases. Last evaluated: 2024-11-18. Review status: criteria provided, single submitter. Criteria: Ambry Variant Classification Scheme 2023. Collection method: clinical testing. Allele origin: germline.

Blueprint Genetics
Classification: Likely benign. Last evaluated: 2024-10-25. Review status: criteria provided, single submitter. Criteria: ACMG Guidelines, 2015. Collection method: clinical testing. Allele origin: germline.

Illumina Laboratory Services, Illumina
Classification: Uncertain significance for Retinitis pigmentosa. Last evaluated: 2018-01-13. Review status: criteria provided, single submitter. Criteria: ICSL Variant Classification Criteria 13 December 2019. Collection method: clinical testing. Allele origin: germline.

Illumina Laboratory Services, Illumina
Classification: Benign for Congenital stationary night blindness autosomal dominant 2. Last evaluated: 2018-01-13. Review status: criteria provided, single submitter. Criteria: ICSL Variant Classification Criteria 13 December 2019. Collection method: clinical testing. Allele origin: germline.
Comment: This variant was observed in the ICSL laboratory as part of a predisposition screen in an ostensibly healthy population. It had not been previously curated by ICSL or reported in the Human Gene Mutation Database (HGMD: prior to June 1st, 2018), and was therefore a candidate for classification through an automated scoring system. Utilizing variant allele frequency, disease prevalence and penetrance estimates, and inheritance mode, an automated score was calculated to assess if this variant is too frequent to cause the disease. Based on the score and internal cut-off values, a variant classified as benign is not then subjected to further curation. The score for this variant resulted in a classification of benign for this disease.

PreventionGenetics, part of Exact Sciences
Classification: Likely benign for PDE6B-related condition. Last evaluated: 2022-04-14. Review status: no assertion criteria provided. Collection method: clinical testing. Allele origin: germline. Not counted in ClinVar's aggregate classification.
Comment: This variant is classified as likely benign based on ACMG/AMP sequence variant interpretation guidelines (Richards et al. 2015 PMID: 25741868, with internal and published modifications).